The following is an entry in ClinVar:

ClinVar aggregate classification (germline): Uncertain significance (1 of 4 stars; one submission).

Allele frequency attached by ClinVar (database versions not stated): TOPMed below 0.00001; gnomAD exomes 0.00001; ExAC 0.00002.

Submission:

Labcorp Genetics (formerly Invitae), Labcorp
Classification: Uncertain significance. Last evaluated: 2022-10-17. Review status: criteria provided, single submitter. Criteria: Invitae Variant Classification Sherloc (09022015). Collection method: clinical testing. Allele origin: germline.
Comment: This variant has not been reported in the literature in individuals affected with ECHS1-related conditions. This sequence change replaces methionine, which is neutral and non-polar, with threonine, which is neutral and polar, at codon 103 of the ECHS1 protein (p.Met103Thr). This variant is present in population databases (rs778685603, gnomAD 0.02%). Algorithms developed to predict the effect of missense changes on protein structure and function (SIFT, PolyPhen-2, Align-GVGD) all suggest that this variant is likely to be disruptive. In summary, the available evidence is currently insufficient to determine the role of this variant in disease. Therefore, it has been classified as a Variant of Uncertain Significance.

NM_004092.4(ECHS1):c.308T>C (p.Met103Thr)

Gene: ECHS1 (enoyl-CoA hydratase, short chain 1; minus strand). Cytogenetic location: 10q26.3.
Variant type: single nucleotide variant.
Coding change: c.308T>C on transcript NM_004092.4 (MANE Select); coding-DNA position 308, T replaced by C.
Protein change: p.Met103Thr; replaces methionine 103 with threonine.
Molecular consequence: missense variant.
Genome position (GRCh38, 1-based): chr10:133,370,010, A>G on the plus strand (T>C on the coding strand, the complement: ECHS1 is on the minus strand). VCF-style: chr10-133370010-A-G. GRCh37 (hg19) VCF-style: chr10-135183514-A-G.
Other names: short protein forms M103T.
Identifiers: ClinVar variation 1903192 (VCV001903192.4), dbSNP rs778685603, ClinGen allele CA5765816.